The following is an entry in ClinVar:

NM_005902.4(SMAD3):c.695G>A (p.Trp232Ter)

Gene: SMAD3 (SMAD family member 3; plus strand). Cytogenetic location: 15q22.33.
Variant type: single nucleotide variant.
Coding change: c.695G>A on transcript NM_005902.4 (MANE Select); coding-DNA position 695, G replaced by A.
Protein change: p.Trp232Ter; replaces tryptophan 232 with a stop codon.
Molecular consequence: nonsense.
Genome position (GRCh38, 1-based): chr15:67,181,277, G>A. VCF-style: chr15-67181277-G-A. GRCh37 (hg19) VCF-style: chr15-67473615-G-A.
Other names: c.380G>A, p.Trp127Ter (NM_001145102.2, NM_001407016.1); c.563G>A, p.Trp188Ter (NM_001145103.2, NM_001407012.1); c.110G>A, p.Trp37Ter (NM_001145104.2, NM_001407017.1); c.695G>A, p.Trp232Ter (NM_001407011.1, NM_001407013.1); c.548G>A, p.Trp183Ter (NM_001407014.1); c.248G>A, p.Trp83Ter (NM_001407015.1); short protein forms W127*, W83*, W183*, W188*, W232*, W37*.
Identifiers: ClinVar variation 2024941 (VCV002024941.4), dbSNP rs2505283146, ClinGen allele CA392955934.

ClinVar aggregate classification (germline): Pathogenic (1 of 4 stars; one submission).

Conditions:
Familial thoracic aortic aneurysm and aortic dissection (TAAD). Also called: Thoracic aortic aneurysms and dissections. Identifiers: Orphanet 91387, MedGen C4707243, MONDO:0019625.

Submission:

Labcorp Genetics (formerly Invitae), Labcorp
Classification: Pathogenic for Familial thoracic aortic aneurysm and aortic dissection. Last evaluated: 2025-06-17. Review status: criteria provided, single submitter. Criteria: Invitae Variant Classification Sherloc (09022015). Collection method: clinical testing. Allele origin: germline.
Comment: This sequence change creates a premature translational stop signal (p.Trp232*) in the SMAD3 gene. It is expected to result in an absent or disrupted protein product. Loss-of-function variants in SMAD3 are known to be pathogenic (PMID: 21778426, 24804794). This variant is not present in population databases (gnomAD no frequency). This variant has not been reported in the literature in individuals affected with SMAD3-related conditions. ClinVar contains an entry for this variant (Variation ID: 2024941). For these reasons, this variant has been classified as Pathogenic.

Literature cited by the submitters: PubMed 21778426; PubMed 24804794.